The following is an entry in ClinVar:

ClinVar aggregate classification (germline): Benign/Likely benign. Review status: criteria provided, multiple submitters, no conflicts (2 of 4 stars). 4 submissions from 4 submitters: Benign (2); Likely benign (1). 1 of the submissions does not count toward it. Last evaluated 2025-06-01.

Conditions:
SEMA3F-related disorder. Also called: SEMA3F-related condition.

Allele frequency attached by ClinVar (database versions not stated): 1000 Genomes Project 0.00140; 1000 Genomes Project 30x 0.00156; gnomAD 0.00277 and 0.00282; TOPMed 0.00285; ESP Exome Variant Server 0.00323; gnomAD exomes 0.00327 and 0.00368; ExAC 0.00339.
gnomAD v4.1: 5,798 of 1,613,566 alleles (0.36%); highest among the groups gnomAD compares: Middle Eastern, 0.91%; 10 homozygotes.

Submissions (4):

CeGaT Center for Human Genetics Tuebingen
Classification: Likely benign. Last evaluated: 2025-06-01. Review status: criteria provided, single submitter. Criteria: CeGaT Center For Human Genetics Tuebingen Variant Classification Criteria Version 2. Collection method: clinical testing. Allele origin: germline. Affected: yes. Observed: 3 variant alleles.
Comment: SEMA3F: BP4, BP7

Labcorp Genetics (formerly Invitae), Labcorp
Classification: Benign. Last evaluated: 2018-06-23. Review status: criteria provided, single submitter. Criteria: Invitae Variant Classification Sherloc (09022015). Collection method: clinical testing. Allele origin: germline.

Breakthrough Genomics
Classification: Benign. Review status: criteria provided, single submitter. Criteria: ACMG Guidelines, 2015. Collection method: not provided. Allele origin: germline. Inheritance: Unknown mechanism. Affected: yes.

PreventionGenetics, part of Exact Sciences
Classification: Likely benign for SEMA3F-related condition. Last evaluated: 2021-06-04. Review status: no assertion criteria provided. Collection method: clinical testing. Allele origin: germline. Not counted in ClinVar's aggregate classification.
Comment: This variant is classified as likely benign based on ACMG/AMP sequence variant interpretation guidelines (Richards et al. 2015 PMID: 25741868, with internal and published modifications).

NM_004186.5(SEMA3F):c.582C>T (p.Leu194=)

Gene: SEMA3F (semaphorin 3F; plus strand). Cytogenetic location: 3p21.31.
Variant type: single nucleotide variant.
Coding change: c.582C>T on transcript NM_004186.5 (MANE Select); coding-DNA position 582, C replaced by T.
Protein change: p.Leu194=; no amino-acid change (leucine 194 retained).
Molecular consequence: synonymous variant.
Genome position (GRCh38, 1-based): chr3:50,176,800, C>T. VCF-style: chr3-50176800-C-T. GRCh37 (hg19) VCF-style: chr3-50214233-C-T.
Other names: c.285C>T, p.Leu95= (NM_001318798.2); c.489C>T, p.Leu163= (NM_001318800.2).
Identifiers: ClinVar variation 713297 (VCV000713297.29), dbSNP rs150956613, ClinGen allele CA2411842.